The following is an entry in ClinVar:

ClinVar aggregate classification (germline): Uncertain significance (1 of 4 stars; one submission).

Submission:

Labcorp Genetics (formerly Invitae), Labcorp
Classification: Uncertain significance. Last evaluated: 2024-07-01. Review status: criteria provided, single submitter. Criteria: Invitae Variant Classification Sherloc (09022015). Collection method: clinical testing. Allele origin: germline.
Comment: This sequence change replaces threonine, which is neutral and polar, with serine, which is neutral and polar, at codon 100 of the XYLT2 protein (p.Thr100Ser). This variant is not present in population databases (gnomAD no frequency). This variant has not been reported in the literature in individuals affected with XYLT2-related conditions. ClinVar contains an entry for this variant (Variation ID: 1450356). Advanced modeling of protein sequence and biophysical properties (such as structural, functional, and spatial information, amino acid conservation, physicochemical variation, residue mobility, and thermodynamic stability) performed at Invitae indicates that this missense variant is not expected to disrupt XYLT2 protein function with a negative predictive value of 80%. In summary, the available evidence is currently insufficient to determine the role of this variant in disease. Therefore, it has been classified as a Variant of Uncertain Significance.

NM_022167.4(XYLT2):c.299C>G (p.Thr100Ser)

Gene: XYLT2 (xylosyltransferase 2; plus strand). Cytogenetic location: 17q21.33.
Variant type: single nucleotide variant.
Coding change: c.299C>G on transcript NM_022167.4 (MANE Select); coding-DNA position 299, C replaced by G.
Protein change: p.Thr100Ser; replaces threonine 100 with serine.
Molecular consequence: missense variant.
Genome position (GRCh38, 1-based): chr17:50,353,793, C>G. VCF-style: chr17-50353793-C-G. GRCh37 (hg19) VCF-style: chr17-48431154-C-G.
Other names: short protein forms T100S.
Identifiers: ClinVar variation 1450356 (VCV001450356.6), dbSNP rs773514375, ClinGen allele CA400195332.